The following is an entry in ClinVar:

NM_003242.6(TGFBR2):c.845_853del (p.Glu282_Tyr284del)

Gene: TGFBR2 (transforming growth factor beta receptor 2; plus strand). Cytogenetic location: 3p24.1.
Variant type: Deletion.
Coding change: c.845_853del on transcript NM_003242.6 (MANE Select); coding-DNA positions 845 to 853, 9 bases deleted (AGGAGTATG; older notation c.845_853delAGGAGTATG).
Protein change: p.Glu282_Tyr284del.
Molecular consequence: inframe deletion. On other transcripts: inframe indel (13).
Genome position (GRCh38, 1-based): chr3:30,672,028-30,672,036, AGGAGTATG deleted; deleting any 9 consecutive bases within chr3:30,672,024-30,672,036 gives the same sequence; the c. name uses the placement nearest the transcript's 3' end. VCF-style (leftmost placement, unchanged base first): chr3-30672023-CTATGAGGAG-C. GRCh37 (hg19) VCF-style: chr3-30713515-CTATGAGGAG-C.
Other names: c.845_853del (NM_003242.5); c.920_928delAGGAGTATG, p.Glu307_Tyr309del (NM_001024847.3); c.1028_1036delAGGAGTATG, p.Glu343_Tyr345del (NM_001407126.1); c.953_961delAGGAGTATG, p.Glu318_Tyr320del (NM_001407127.1); c.872_880delAGGAGTATG, p.Glu291_Tyr293del (NM_001407128.1); c.848_856delAGGAGTATG, p.Glu283_Tyr285del (NM_001407129.1); c.845_853delAGGAGTATG, p.Glu282_Tyr284del (NM_001407130.1); c.740_748delAGGAGTATG, p.Glu247_Tyr249del (NM_001407132.1, NM_001407133.1, NM_001407134.1 and 2 more transcripts); and 3 more.
Identifiers: ClinVar variation 426204 (VCV000426204.4), dbSNP rs1085307498, ClinGen allele CA645294023.

ClinVar aggregate classification (germline): Uncertain significance (1 of 4 stars; one submission).

Submission:

GeneDx
Classification: Uncertain significance. Last evaluated: 2023-03-22. Review status: criteria provided, single submitter. Criteria: GeneDx Variant Classification Process June 2021. Collection method: clinical testing. Allele origin: germline. Affected: yes.
Comment: Not observed at significant frequency in large population cohorts (gnomAD); In-frame deletion of 3 amino acids in a non-repeat region; In silico analysis supports a deleterious effect on protein structure/function; Has not been previously published as pathogenic or benign to our knowledge